The following is an entry in ClinVar:

ClinVar aggregate classification (germline): Pathogenic/Likely pathogenic. Review status: criteria provided, multiple submitters, no conflicts (2 of 4 stars). 3 submissions from 3 submitters: Pathogenic (1); Likely pathogenic (2). Last evaluated 2023-12-15.

Conditions:
Ehlers-Danlos syndrome, type 4 (EDSVASC). Also called: Ehlers-Danlos syndrome vascular type; Ehlers Danlos syndrome, ecchymotic type; Ehlers Danlos syndrome, arterial type; Ehlers Danlos syndrome, Sack-Barabas type; Ehlers-Danlos Syndrome Type IV. Identifiers: Orphanet 286, MedGen C0268338, MONDO:0017314, OMIM 130050.

Submissions (3):

All of Us Research Program, National Institutes of Health
Classification: Likely pathogenic for Ehlers-Danlos syndrome, type 4. Last evaluated: 2023-12-15. Review status: criteria provided, single submitter. Criteria: ACMG Guidelines, 2015. Collection method: clinical testing. Allele origin: germline. Inheritance: Autosomal dominant inheritance. Observed: 1 variant allele, 1 heterozygote.
Comment: This variant, a glycine substitution within the Gly-Xaa-Yaa repeats of the triple helical domain of COL3A1, results in a deleterious effect to the protein that is sufficient to be disease-causing. Glycine, the smallest amino acid, is required to form the stable triple helical domain, and substitution by an amino acid with a bulkier side chain will interfere with folding and secretion of the molecule (PMID: 24922459, 25758994). This variant is located in a well-established functional domain of the protein where other pathogenic or likely pathogenic variants have been described. Substitution of the triplet glycine is the most common mutational mechanism for vascular EDS (PMID: 7695699, 8218237, 19344236). This variant is absent from or rare in large population databases, including the Genome Aggregation Database. This variant is predicted to be deleterious by in silico analysis.

This study involves interpretation of variants in research participants for the purpose of population health screening. Participant phenotype was not available at the time of variant classification. Additional details can be found in publication PMID: 35346344, PMCID: PMC8962531

Labcorp Genetics (formerly Invitae), Labcorp
Classification: Likely pathogenic for Ehlers-Danlos syndrome, type 4. Last evaluated: 2018-06-09. Review status: criteria provided, single submitter. Criteria: Invitae Variant Classification Sherloc (09022015). Collection method: clinical testing. Allele origin: germline.
Comment: A different missense substitution at this codon (p.Gly1038Asp) has been observed in an individual with Ehlers-Danlos syndrome (PMID: 25758994). Glycine residues within the Gly-Xaa-Yaa repeats of the triple helix domain are required for the structure and stability of fibrillar collagens (PMID: 7695699, 8218237, 19344236). In COL3A1, missense variants at these glycine residues are significantly enriched in individuals with disease (PMID: 24922459, 25758994) compared to the general population (ExAC). In summary, the currently available evidence indicates that the variant is pathogenic, but additional data are needed to prove that conclusively. Therefore, this variant has been classified as Likely Pathogenic. This variant has not been reported in the literature in individuals with COL3A1-related disease. This variant is not present in population databases (ExAC no frequency). This sequence change replaces glycine with arginine at codon 1038 of the COL3A1 protein (p.Gly1038Arg). The glycine residue is moderately conserved and there is a moderate physicochemical difference between glycine and arginine.

ARUP Laboratories, Molecular Genetics and Genomics, ARUP Laboratories
Classification: Pathogenic. Last evaluated: 2017-07-30. Review status: criteria provided, single submitter. Criteria: ARUP Molecular Germline Variant Investigation Process. Collection method: clinical testing. Allele origin: germline.

Literature cited by the submitters: PubMed 7695699 (cited by All of Us Research Program, National Institutes of Health and Labcorp Genetics (formerly Invitae), Labcorp); PubMed 8218237 (cited by All of Us Research Program, National Institutes of Health and Labcorp Genetics (formerly Invitae), Labcorp); PubMed 19344236 (cited by All of Us Research Program, National Institutes of Health and Labcorp Genetics (formerly Invitae), Labcorp); PubMed 24922459 (cited by All of Us Research Program, National Institutes of Health and Labcorp Genetics (formerly Invitae), Labcorp); PubMed 25758994 (cited by All of Us Research Program, National Institutes of Health and Labcorp Genetics (formerly Invitae), Labcorp).

NM_000090.4(COL3A1):c.3112G>C (p.Gly1038Arg)

Gene: COL3A1 (collagen type III alpha 1 chain; plus strand). Cytogenetic location: 2q32.2.
Variant type: single nucleotide variant.
Coding change: c.3112G>C on transcript NM_000090.4 (MANE Select); coding-DNA position 3112, G replaced by C.
Protein change: p.Gly1038Arg; replaces glycine 1038 with arginine.
Molecular consequence: missense variant.
Genome position (GRCh38, 1-based): chr2:189,006,363, G>C. VCF-style: chr2-189006363-G-C. GRCh37 (hg19) VCF-style: chr2-189871089-G-C.
Other names: short protein forms G1038R.
Identifiers: ClinVar variation 573925 (VCV000573925.16), dbSNP rs1559061706, ClinGen allele CA349845043.